The following is an entry in ClinVar:

ClinVar aggregate classification (germline): Uncertain significance (1 of 4 stars; one submission).

Conditions:
Cardiovascular phenotype. Identifiers: MedGen CN230736.

Submission:

Ambry Genetics
Classification: Uncertain significance for Cardiovascular phenotype. Last evaluated: 2025-10-30. Review status: criteria provided, single submitter. Criteria: Ambry Variant Classification Scheme 2023. Collection method: clinical testing. Allele origin: germline.
Comment: The c.2450dupT variant, located in coding exon 17 of the VCL gene, results from a duplication of T at nucleotide position 2450, causing a translational frameshift with a predicted alternate stop codon (p.L818Pfs*24). This alteration is expected to result in protein truncation or nonsense-mediated mRNA decay. However, loss of function has not been established as a mechanism of disease. Based on the available evidence, the clinical significance of this alteration remains unclear.

NM_014000.3(VCL):c.2450dup (p.Leu818fs)

Gene: VCL (vinculin; plus strand). Cytogenetic location: 10q22.2.
Variant type: Duplication.
Coding change: c.2450dup on transcript NM_014000.3 (MANE Select); coding-DNA position 2450, one base duplicated (T; older notation c.2450dupT).
Protein change: p.Leu818fs; shifts the reading frame from leucine 818.
Molecular consequence: frameshift variant.
Genome position (GRCh38, 1-based): chr10:74,107,245, T duplicated; the last of 2 consecutive T bases (chr10:74,107,244-74,107,245); duplicating either gives the same sequence. VCF-style (leftmost placement, unchanged base first): chr10-74107243-C-CT. GRCh37 (hg19) VCF-style: chr10-75867001-C-CT.
Other names: c.2450dupT (NM_014000.2); c.2450dup, p.Leu818fs (NM_003373.4); short protein forms L818fs.
Identifiers: ClinVar variation 4615410 (VCV004615410.1).
Genomic context (GRCh38, chr10:74,107,243, plus strand): 5'-TGGGGCACTGACCCACCCAGCTGAAAGTGAGGATGTCTTGTGTTTAGGACTGCAAAAGAG[C>CT]TTCCTGGACTCAGGATATCGGATCCTGGGAGCTGTGGCCAAGGTCAGAGAAGCCTTCCAA-3'